The following is an entry in ClinVar:

ClinVar aggregate classification (germline): Likely pathogenic (1 of 4 stars; one submission).

Conditions:
Autosomal recessive spinocerebellar ataxia 20. Identifiers: Orphanet 397709, MedGen C5190595, MONDO:0014601, OMIM 616354.

Submission:

3billion
Classification: Likely pathogenic for Autosomal recessive spinocerebellar ataxia 20. Last evaluated: 2024-11-15. Review status: criteria provided, single submitter. Criteria: ACMG Guidelines, 2015. Collection method: clinical testing. Allele origin: germline. Affected: yes.
Comment: The variant is not observed in the gnomAD v4.1.0 dataset. Predicted Consequence/Location: Stop-gained (nonsense): predicted to result in a loss or disruption of normal protein function through nonsense-mediated decay (NMD) or protein truncation. Multiple pathogenic variants are reported downstream of the variant. Therefore, this variant is classified as Likely pathogenic according to the recommendation of ACMG/AMP guideline.

NM_153816.6(SNX14):c.455G>A (p.Trp152Ter)

Gene: SNX14 (sorting nexin 14; minus strand). Cytogenetic location: 6q14.3.
Variant type: single nucleotide variant.
Coding change: c.455G>A on transcript NM_153816.6 (MANE Select); coding-DNA position 455, G replaced by A.
Protein change: p.Trp152Ter; replaces tryptophan 152 with a stop codon.
Molecular consequence: nonsense. On other transcripts: 5 prime UTR variant (6), non-coding transcript variant (5), intron variant (8).
Genome position (GRCh38, 1-based): chr6:85,567,540, C>T on the plus strand (G>A on the coding strand, the complement: SNX14 is on the minus strand). VCF-style: chr6-85567540-C-T. GRCh37 (hg19) VCF-style: chr6-86277258-C-T.
Other names: c.455G>A, p.Trp152Ter (NM_001297614.3, NM_001350538.2, NM_001350540.2 and 1 more transcripts); c.299G>A, p.Trp100Ter (NM_001304479.2, NM_001350544.2); c.518G>A, p.Trp173Ter (NM_001350532.2); c.452G>A, p.Trp151Ter (NM_001350533.2, NM_001350534.2, NM_001350535.2); c.296G>A, p.Trp99Ter (NM_001350539.2); c.-511G>A (NM_001350547.2); c.-697G>A (NM_001350549.2, NM_001350550.2, NM_001350553.2); c.-612G>A (NM_001350551.2); and 7 more; short protein forms W100*, W151*, W152*, W173*, W99*.
Identifiers: ClinVar variation 4293279 (VCV004293279.1).